The following is an entry in ClinVar:

NM_000155.4(GALT):c.*147A>G

Gene: GALT (galactose-1-phosphate uridylyltransferase; plus strand). Cytogenetic location: 9p13.3.
Variant type: single nucleotide variant.
Coding change: c.*147A>G on transcript NM_000155.4 (MANE Select); 147 bases downstream of the stop codon, A replaced by G.
Molecular consequence: 3 prime UTR variant.
Genome position (GRCh38, 1-based): chr9:34,650,596, A>G. VCF-style: chr9-34650596-A-G. GRCh37 (hg19) VCF-style: chr9-34650593-A-G.
Other names: NC_000009.11:g.34650593A>G; c.*147A>G (NM_001258332.2).
Identifiers: ClinVar variation 366702 (VCV000366702.7), dbSNP rs73501024, ClinGen allele CA10633909.

ClinVar aggregate classification (germline): Benign. Review status: reviewed by expert panel (3 of 4 stars). 2 submissions from 2 submitters: Benign (1). 1 of the submissions does not count toward it. Last evaluated 2026-06-23.

Conditions:
Galactosemia. Also called: Galactose intolerance. Identifiers: Orphanet 352, MedGen C0016952, MONDO:0018116, HP:0004919. Disease mechanism: loss of function.
Deficiency of UDPglucose-hexose-1-phosphate uridylyltransferase. Also called: GALACTOSEMIA I; Transferase Deficiency Galactosemia; GALT deficiency; Galactosemia, classic; GALACTOSE-1-PHOSPHATE URIDYLYLTRANSFERASE DEFICIENCY. Identifiers: Orphanet 352, Orphanet 79239, MedGen C0268151, MONDO:0009258, OMIM 230400.

Allele frequency attached by ClinVar (database versions not stated): gnomAD 0.00512 and 0.00548; TOPMed 0.00575; 1000 Genomes Project 0.00659; 1000 Genomes Project 30x 0.00765.
gnomAD v4.1: 1,120 of 671,348 alleles (0.17%); highest among the groups gnomAD compares: African/African-American, 1.7%; 11 homozygotes.

Submissions (4):

Clingen Galactosemia Variant Curation Expert Panel, ClinGen
Classification: Benign for Galactosemia. Last evaluated: 2026-06-23. Review status: reviewed by expert panel. Criteria: ClinGen Galactosemia ACMG Specifications GALT V1.1. Collection method: curation. Allele origin: germline. Inheritance: Autosomal recessive inheritance.
Comment: The *147A>G variant is a single base substitution in the 3'UTR of GALT. Because the variant is located in the 3'UTR, it is not expected to alter the amino acid sequence. The filtering allele frequency of the c.*147A>G variant in GALT is 0.01654 for African/African American chromosomes by gnomAD v4.1.0, which is higher than the ClinGen Galactosemia VCEP threshold (≥ 0.01 or 1%) for BA1, and therefore meets this criterion (BA1). In summary, this variant meets the criteria to be classified as benign for galactosemia based on the ACMG/AMP criteria applied, as specified by the ClinGen Galactosemia VCEP: BA1(GALT specifications v1.0.0).

Illumina Laboratory Services, Illumina
Classification: Likely benign for Deficiency of UDPglucose-hexose-1-phosphate uridylyltransferase. Last evaluated: 2018-01-12. Review status: criteria provided, single submitter. Criteria: ICSL Variant Classification Criteria 13 December 2019. Collection method: clinical testing. Allele origin: germline. Not counted in ClinVar's aggregate classification.
Comment: This variant was observed in the ICSL laboratory as part of a predisposition screen in an ostensibly healthy population. It had not been previously curated by ICSL or reported in the Human Gene Mutation Database (HGMD: prior to June 1st, 2018), and was therefore a candidate for classification through an automated scoring system. Utilizing variant allele frequency, disease prevalence and penetrance estimates, and inheritance mode, an automated score was calculated to assess if this variant is too frequent to cause the disease. Based on the score and internal cut-off values, a variant classified as likely benign is not then subjected to further curation. The score for this variant resulted in a classification of likely benign for this disease.

Dr. Peter K. Rogan Lab, Western University
No classification provided (evidence only). Condition: Uterine corpus endometrial carcinoma. Review status: no classification provided. Collection method: in vitro. Allele origin: not applicable. Functional consequence: retained intron. Not counted in ClinVar's aggregate classification.

Dr. Peter K. Rogan Lab, Western University
No classification provided (evidence only). Condition: Ovarian serous cystadenocarcinoma. Review status: no classification provided. Collection method: in vitro. Allele origin: not applicable. Functional consequence: retained intron. Not counted in ClinVar's aggregate classification.